The following is an entry in ClinVar:

NM_001130438.3(SPTAN1):c.3365A>G (p.Asp1122Gly)

Gene: SPTAN1 (spectrin alpha, non-erythrocytic 1; plus strand). Cytogenetic location: 9q34.11.
Variant type: single nucleotide variant.
Coding change: c.3365A>G on transcript NM_001130438.3 (MANE Select); coding-DNA position 3365, A replaced by G.
Protein change: p.Asp1122Gly; replaces aspartic acid 1122 with glycine.
Molecular consequence: missense variant.
Genome position (GRCh38, 1-based): chr9:128,594,324, A>G. VCF-style: chr9-128594324-A-G. GRCh37 (hg19) VCF-style: chr9-131356603-A-G.
Other names: c.3305A>G, p.Asp1102Gly (NM_001195532.2, NM_001363765.2, NM_001375314.2); c.3365A>G, p.Asp1122Gly (NM_001363759.2, NM_001375310.1, NM_001375311.2 and 2 more transcripts); c.3401A>G, p.Asp1134Gly (NM_001375312.2, NM_001375318.1); short protein forms D1102G, D1134G, D1122G.
Identifiers: ClinVar variation 2817792 (VCV002817792.3), dbSNP rs1853928380, ClinGen allele CA375062078.

ClinVar aggregate classification (germline): Uncertain significance (1 of 4 stars; one submission).

Conditions:
Early-infantile DEE. Also called: Early infantile epileptic encephalopathy; Early infantile epileptic encephalopathy with suppression bursts; Ohtahara syndrome. Identifiers: Orphanet 1934, MedGen C0393706, MONDO:0800491.

Allele frequency attached by ClinVar (database versions not stated): TOPMed below 0.00001.

Submission:

Labcorp Genetics (formerly Invitae), Labcorp
Classification: Uncertain significance for Early-infantile DEE. Last evaluated: 2023-01-30. Review status: criteria provided, single submitter. Criteria: Invitae Variant Classification Sherloc (09022015). Collection method: clinical testing. Allele origin: germline.
Comment: This sequence change replaces aspartic acid, which is acidic and polar, with glycine, which is neutral and non-polar, at codon 1122 of the SPTAN1 protein (p.Asp1122Gly). This variant is not present in population databases (gnomAD no frequency). This variant has not been reported in the literature in individuals affected with SPTAN1-related conditions. Advanced modeling of protein sequence and biophysical properties (such as structural, functional, and spatial information, amino acid conservation, physicochemical variation, residue mobility, and thermodynamic stability) has been performed at Invitae for this missense variant, however the output from this modeling did not meet the statistical confidence thresholds required to predict the impact of this variant on SPTAN1 protein function. In summary, the available evidence is currently insufficient to determine the role of this variant in disease. Therefore, it has been classified as a Variant of Uncertain Significance.